The following is an entry in ClinVar:

NM_005481.3(MED16):c.1905+480_1905+497del

Gene: MED16 (mediator complex subunit 16; minus strand). Cytogenetic location: 19p13.3.
Variant type: Deletion.
Coding change: c.1905+480_1905+497del on transcript NM_005481.3 (MANE Select); bases 480 to 497 of the intron after coding-DNA position 1905, 18 bases deleted (GCCCCACCTCGGAGCCCT).
Molecular consequence: intron variant.
Genome position (GRCh38, 1-based): chr19:872,952-872,969, AGGGCTCCGAGGTGGGGC deleted on the plus strand (GCCCCACCTCGGAGCCCT on the coding strand, the reverse complement: MED16 is on the minus strand); deleting any 18 consecutive bases within chr19:872,952-872,986 gives the same sequence; the c. name uses the placement nearest the transcript's 3' end. VCF-style (leftmost placement, unchanged base first): chr19-872951-GAGGGCTCCGAGGTGGGGC-G. GRCh37 (hg19) VCF-style: chr19-872951-GAGGGCTCCGAGGTGGGGC-G.
Identifiers: ClinVar variation 2648871 (VCV002648871.24), dbSNP rs1568320897, ClinGen allele CA631012035.

ClinVar aggregate classification (germline): Likely benign (1 of 4 stars; one submission).

Submission:

CeGaT Center for Human Genetics Tuebingen
Classification: Likely benign. Last evaluated: 2023-04-01. Review status: criteria provided, single submitter. Criteria: CeGaT Center For Human Genetics Tuebingen Variant Classification Criteria Version 2. Collection method: clinical testing. Allele origin: germline. Affected: yes. Observed: 3 variant alleles.
Comment: MED16: BS2